The following is an entry in ClinVar:

ClinVar aggregate classification (germline): Conflicting classifications of pathogenicity. Review status: criteria provided, conflicting classifications (1 of 4 stars). 9 submissions from 9 submitters: Uncertain significance (5); Benign (1); Likely benign (2). 1 of the submissions does not count toward it. Last evaluated 2026-02-08.

Conditions:
STK11-related disorder. Also called: STK11-related condition.
Hereditary cancer-predisposing syndrome. Also called: Neoplastic Syndromes, Hereditary; Tumor predisposition; Hereditary Cancer Syndrome; Hereditary neoplastic syndrome. Identifiers: Orphanet 140162, MedGen C0027672, MeSH D009386, MONDO:0015356.
Breast and/or ovarian cancer. Identifiers: MedGen CN221562.
Peutz-Jeghers syndrome (PJS). Also called: Peutz-Jeghers polyposis; Periorificial lentiginosis syndrome; POLYPOSIS, HAMARTOMATOUS INTESTINAL; POLYPS-AND-SPOTS SYNDROME. Identifiers: Orphanet 2869, MedGen C0031269, MeSH D010580, MONDO:0008280, OMIM 175200.
Malignant tumor of breast. Also called: Malignant breast neoplasm; Cancer breast. Identifiers: MedGen C0006142, MONDO:0007254. Disease mechanism: loss of function.

Allele frequency attached by ClinVar (database versions not stated): TOPMed below 0.00001; gnomAD 0.00002; gnomAD exomes 0.00002 and 0.00004; ExAC 0.00007; 1000 Genomes Project 30x 0.00031; 1000 Genomes Project 0.00040.
gnomAD v4.1: 29 of 1,613,618 alleles (0.0018%); highest among the groups gnomAD compares: South Asian, 0.029%; 1 homozygote.

Submissions (9):

PreventionGenetics, part of Exact Sciences
Classification: Likely benign for STK11-related condition. Last evaluated: 2026-02-08. Review status: criteria provided, single submitter. Criteria: ACMG Guidelines, 2015. Collection method: clinical testing. Allele origin: germline.
Comment: This variant is classified as likely benign based on ACMG/AMP sequence variant interpretation guidelines (Richards et al. 2015 PMID: 25741868, with internal and published modifications).

Labcorp Genetics (formerly Invitae), Labcorp
Classification: Likely benign for Peutz-Jeghers syndrome. Last evaluated: 2025-12-31. Review status: criteria provided, single submitter. Criteria: Invitae Variant Classification Sherloc (09022015). Collection method: clinical testing. Allele origin: germline.

Ambry Genetics
Classification: Benign for Hereditary cancer-predisposing syndrome. Last evaluated: 2025-10-02. Review status: criteria provided, single submitter. Criteria: Ambry Variant Classification Scheme 2023. Collection method: clinical testing. Allele origin: germline.

Color Diagnostics, LLC DBA Color Health
Classification: Uncertain significance for Hereditary cancer-predisposing syndrome. Last evaluated: 2024-02-28. Review status: criteria provided, single submitter. Criteria: ACMG Guidelines, 2015. Collection method: clinical testing. Allele origin: germline.
Comment: This missense variant replaces asparagine with aspartic acid at codon 119 of the STK11 protein. Computational prediction suggests that this variant may not impact protein structure and function. To our knowledge, functional studies have not been reported for this variant. This variant has not been reported in individuals affected with STK11-related disorders in the literature. This variant has been identified in 11/249110 chromosomes in the general population by the Genome Aggregation Database (gnomAD). The available evidence is insufficient to determine the role of this variant in disease conclusively. Therefore, this variant is classified as a Variant of Uncertain Significance.

All of Us Research Program, National Institutes of Health
Classification: Uncertain significance for Peutz-Jeghers syndrome. Last evaluated: 2023-11-30. Review status: criteria provided, single submitter. Criteria: ACMG Guidelines, 2015. Collection method: clinical testing. Allele origin: germline. Inheritance: Autosomal dominant inheritance. Observed: 3 variant alleles, 3 heterozygotes.
Comment: This missense variant replaces asparagine with aspartic acid at codon 119 of the STK11 protein. Computational prediction suggests that this variant may not impact protein structure and function (internally defined REVEL score threshold <= 0.5, PMID: 27666373). Splice site prediction tools suggest that this variant may not impact RNA splicing. To our knowledge, functional studies have not been performed for this variant. This variant has not been reported in individuals affected with hereditary cancer in the literature. This variant has been identified in 11/249110 chromosomes in the general population by the Genome Aggregation Database (gnomAD). The available evidence is insufficient to determine the role of this variant in disease conclusively. Therefore, this variant is classified as a Variant of Uncertain Significance.

This study involves interpretation of variants in research participants for the purpose of population health screening. Participant phenotype was not available at the time of variant classification. Additional details can be found in publication PMID: 35346344, PMCID: PMC8962531

CHEO Genetics Diagnostic Laboratory, Children's Hospital of Eastern Ontario
Classification: Uncertain significance for Breast and/or ovarian cancer. Last evaluated: 2023-04-13. Review status: criteria provided, single submitter. Criteria: ACMG Guidelines, 2015. Collection method: clinical testing. Allele origin: germline.

Sema4
Classification: Uncertain significance for Hereditary cancer-predisposing syndrome. Last evaluated: 2021-12-23. Review status: criteria provided, single submitter. Criteria: Sema4 Curation Guidelines. Collection method: curation. Allele origin: germline.
Comment: The STK11 c.355A>G (p.N119D) variant has not been reported in the individuals with STK11-related disease. It has been reported in a large case-control study of breast cancer in 3/60466 cases and 3/53461 controls (PMID: 33471991). This variant was observed in 10/30600 chromosomes in the South Asian subpopulation in the large and broad cohorts of the Genome Aggregation Database (PMID: 32461654). This variant has been reported in ClinVar (Variation ID: 219451). Functional studies have not been performed, and in silico predictions of the variant's effect on protein function are inconclusive. The evidence is insufficient to meet ACMG/AMP criteria for classifying the variant as benign or pathogenic. Thus, the clinical significance of this variant is currently uncertain.

Genome-Nilou Lab
Classification: Uncertain significance for Peutz-Jeghers syndrome. Last evaluated: 2021-07-15. Review status: criteria provided, single submitter. Criteria: ACMG Guidelines, 2015. Collection method: clinical testing. Allele origin: germline. Affected: no.

Department of Pathology and Laboratory Medicine, Sinai Health System
Classification: Uncertain significance for Malignant tumor of breast. Review status: no assertion criteria provided. Collection method: clinical testing. Allele origin: unknown. Affected: yes. Study: The Canadian Open Genetics Repository (COGR). Not counted in ClinVar's aggregate classification.
Comment: The STK11 p.Asn119Asp variant was not identified in the literature nor was it identified in the LOVD 3.0 database. The variant was identified in dbSNP (rs545015076) as â€šÃ„Ãºwith uncertain significance alleleâ€šÃ„Ã¹ and ClinVar (classified as uncertain significance by Invitae, Ambry Genetics and Color). The variant was identified in control databases in 11 of 249,110 chromosomes at a frequency of 0.00004 (Genome Aggregation Database Feb 27, 2017). The variant was observed in the following populations: South Asian in 10 of 30,600 chromosomes (freq: 0.0003, decreasing the likelihood that this variant has clinical significance) and Other in 1 of 6048 chromosomes (freq: 0.0002), but it was not observed in the African, Latino, Ashkenazi Jewish, East Asian, Finnish or European populations. The p.Asn119 residue is conserved in mammals but not in more distantly related organisms however four out of five computational analyses (PolyPhen-2, SIFT, AlignGVGD, BLOSUM, MutationTaster) do not suggest a high likelihood of impact to the protein; this information is not predictive enough to rule out pathogenicity. The variant occurs outside of the splicing consensus sequence and in silico or computational prediction software programs (SpliceSiteFinder, MaxEntScan, NNSPLICE, GeneSplicer) do not predict a difference in splicing. In summary, based on the above information, the clinical significance of this variant cannot be determined with certainty at this time. This variant is classified as a variant of uncertain significance.

Literature cited by the submitters: PubMed 33471991 (cited by Sema4).

NM_000455.5(STK11):c.355A>G (p.Asn119Asp)

Gene: STK11 (serine/threonine kinase 11; plus strand). Cytogenetic location: 19p13.3.
Variant type: single nucleotide variant.
Coding change: c.355A>G on transcript NM_000455.5 (MANE Select); coding-DNA position 355, A replaced by G.
Protein change: p.Asn119Asp; replaces asparagine 119 with aspartic acid.
Molecular consequence: missense variant.
Genome position (GRCh38, 1-based): chr19:1,218,481, A>G. VCF-style: chr19-1218481-A-G. GRCh37 (hg19) VCF-style: chr19-1218480-A-G.
Other names: short protein forms N119D.
Identifiers: ClinVar variation 219451 (VCV000219451.30), dbSNP rs545015076, ClinGen allele CA047166.